The following is an entry in ClinVar:

NM_000289.6(PFKM):c.857G>T (p.Arg286Leu)

Gene: PFKM (phosphofructokinase, muscle; plus strand). Cytogenetic location: 12q13.11.
Variant type: single nucleotide variant.
Coding change: c.857G>T on transcript NM_000289.6 (MANE Select); coding-DNA position 857, G replaced by T.
Protein change: p.Arg286Leu; replaces arginine 286 with leucine.
Molecular consequence: missense variant. On other transcripts: non-coding transcript variant (6), intron variant (1).
Genome position (GRCh38, 1-based): chr12:48,135,304, G>T. VCF-style: chr12-48135304-G-T. GRCh37 (hg19) VCF-style: chr12-48529087-G-T.
Other names: c.1070G>T, p.Arg357Leu (NM_001166686.2, NM_001354737.1, NM_001354738.1 and 1 more transcripts); c.857G>T, p.Arg286Leu (NM_001166687.2, NM_001166688.2, NM_001354742.2 and 3 more transcripts); c.1166G>T, p.Arg389Leu (NM_001354735.1, NM_001354736.1); c.1001G>T, p.Arg334Leu (NM_001354740.1); c.881G>T, p.Arg294Leu (NM_001354741.2); c.770G>T, p.Arg257Leu (NM_001354745.2); c.707G>T, p.Arg236Leu (NM_001354747.2, NM_001354748.2); c.843+266G>T (NM_001363619.2); short protein forms R236L, R357L, R286L, R294L, R257L, R334L, R389L.
Identifiers: ClinVar variation 2193622 (VCV002193622.4), dbSNP rs768496070, ClinGen allele CA384545674.

ClinVar aggregate classification (germline): Uncertain significance (1 of 4 stars; one submission).

Conditions:
Glycogen storage disease, type VII (GSD7). Also called: PFKM DEFICIENCY; TARUI DISEASE; GSD VII; MUSCLE PHOSPHOFRUCTOKINASE DEFICIENCY. Identifiers: Orphanet 371, MedGen C0017926, MONDO:0009295, OMIM 232800.

gnomAD v4.1: 3 of 1,613,960 alleles (0.00019%); highest among the groups gnomAD compares: Non-Finnish European, 0.00025%; no homozygotes.

Submission:

Labcorp Genetics (formerly Invitae), Labcorp
Classification: Uncertain significance for Glycogen storage disease, type VII. Last evaluated: 2022-06-29. Review status: criteria provided, single submitter. Criteria: Invitae Variant Classification Sherloc (09022015). Collection method: clinical testing. Allele origin: germline.
Comment: In summary, the available evidence is currently insufficient to determine the role of this variant in disease. Therefore, it has been classified as a Variant of Uncertain Significance. Algorithms developed to predict the effect of missense changes on protein structure and function are either unavailable or do not agree on the potential impact of this missense change (SIFT: "Deleterious"; PolyPhen-2: "Benign"; Align-GVGD: "Class C0"). This variant has not been reported in the literature in individuals affected with PFKM-related conditions. This variant is not present in population databases (gnomAD no frequency). This sequence change replaces arginine, which is basic and polar, with leucine, which is neutral and non-polar, at codon 286 of the PFKM protein (p.Arg286Leu).